The following is an entry in ClinVar:

NM_024753.5(TTC21B):c.2494C>T (p.Arg832Cys)

Gene: TTC21B (tetratricopeptide repeat domain 21B; minus strand). Cytogenetic location: 2q24.3.
Variant type: single nucleotide variant.
Coding change: c.2494C>T on transcript NM_024753.5 (MANE Select); coding-DNA position 2494, C replaced by T.
Protein change: p.Arg832Cys; replaces arginine 832 with cysteine.
Molecular consequence: missense variant.
Genome position (GRCh38, 1-based): chr2:165,907,752, G>A on the plus strand (C>T on the coding strand, the complement: TTC21B is on the minus strand). VCF-style: chr2-165907752-G-A. GRCh37 (hg19) VCF-style: chr2-166764262-G-A.
Other names: c.2494C>T (NM_024753.4, NM_024753.3); short protein forms R832C.
Identifiers: ClinVar variation 1439552 (VCV001439552.8), dbSNP rs1439121645, ClinGen allele CA349055562.

ClinVar aggregate classification (germline): Uncertain significance. Review status: criteria provided, multiple submitters, no conflicts (2 of 4 stars). 3 submissions from 3 submitters: Uncertain significance (2). 1 of the submissions does not count toward it. Last evaluated 2025-06-06.

Conditions:
Inborn genetic diseases. Identifiers: MedGen C0950123, MeSH D030342.
Nephronophthisis. Also called: Juvenile Nephronophthisis. Identifiers: Orphanet 655, MedGen C0687120, MONDO:0019005, HP:0000090.
Jeune thoracic dystrophy. Also called: Jeune syndrome; Infantile thoracic dystrophy; Thoracic pelvic phalangeal dystrophy; Jeune's syndrome; Chondroectodermal dysplasia-like syndrome; Short-rib thoracic dysplasia. Identifiers: Orphanet 474, MedGen C0265275, MONDO:0018770.
TTC21B-related disorder. Also called: TTC21B-related condition; TTC21B-related disorders.

Allele frequency attached by ClinVar (database versions not stated): gnomAD 0.00001.
gnomAD v4.1: 4 of 1,612,694 alleles (0.00025%); highest among the groups gnomAD compares: Non-Finnish European, 0.00034%; no homozygotes.

Submissions (3):

Ambry Genetics
Classification: Uncertain significance for Inborn genetic diseases. Last evaluated: 2025-06-06. Review status: criteria provided, single submitter. Criteria: Ambry Variant Classification Scheme 2023. Collection method: clinical testing. Allele origin: germline.

Labcorp Genetics (formerly Invitae), Labcorp
Classification: Uncertain significance for Jeune thoracic dystrophy; Nephronophthisis. Last evaluated: 2022-10-13. Review status: criteria provided, single submitter. Criteria: Invitae Variant Classification Sherloc (09022015). Collection method: clinical testing. Allele origin: germline.
Comment: In summary, the available evidence is currently insufficient to determine the role of this variant in disease. Therefore, it has been classified as a Variant of Uncertain Significance. Advanced modeling of protein sequence and biophysical properties (such as structural, functional, and spatial information, amino acid conservation, physicochemical variation, residue mobility, and thermodynamic stability) performed at Invitae indicates that this missense variant is not expected to disrupt TTC21B protein function. ClinVar contains an entry for this variant (Variation ID: 1439552). This variant has not been reported in the literature in individuals affected with TTC21B-related conditions. This variant is not present in population databases (gnomAD no frequency). This sequence change replaces arginine, which is basic and polar, with cysteine, which is neutral and slightly polar, at codon 832 of the TTC21B protein (p.Arg832Cys).

PreventionGenetics, part of Exact Sciences
Classification: Uncertain significance for TTC21B-related condition. Last evaluated: 2024-06-07. Review status: no assertion criteria provided. Collection method: clinical testing. Allele origin: germline. Not counted in ClinVar's aggregate classification.
Comment: The TTC21B c.2494C>T variant is predicted to result in the amino acid substitution p.Arg832Cys. To our knowledge, this variant has not been reported in the literature or in a large population database, indicating this variant is rare. At this time, the clinical significance of this variant is uncertain due to the absence of conclusive functional and genetic evidence.